The following is an entry in ClinVar:

ClinVar aggregate classification (germline): Likely pathogenic. Review status: criteria provided, single submitter (1 of 4 stars). 2 submissions from 2 submitters: Likely pathogenic (1). 1 of the submissions does not count toward it. Last evaluated 2026-06-17.

Conditions:
Fetal anomalies with a likely genetic cause.
Seizure. Also called: Seizures. Identifiers: MedGen C0036572, HP:0001250.

Submissions (2):

Genetics Laboratory, Great Ormond Street Hospital NHS Foundation Trust, North Thames Genomic Laboratory Hub
Classification: Likely pathogenic for Fetal anomalies with a likely genetic cause. Last evaluated: 2026-06-17. Review status: criteria provided, single submitter. Criteria: ACGS Best Practice Guidelines for Variant Classification in Rare Disease 2024 v1.2. Collection method: clinical testing. Allele origin: germline. Affected: yes.
Comment: PS4_moderate, PM2_moderate, PP3_supporting, PP2_supporting, PS2_moderate

Diagnostic Laboratory, Strasbourg University Hospital
Classification: Likely pathogenic for Seizure. Review status: no assertion criteria provided. Collection method: clinical testing. Allele origin: de novo. Affected: yes. Observed: 1 heterozygote. Not counted in ClinVar's aggregate classification.

NM_006009.4(TUBA1A):c.848A>G (p.His283Arg)

Gene: TUBA1A (tubulin alpha 1a; minus strand). Cytogenetic location: 12q13.12.
Variant type: single nucleotide variant.
Coding change: c.848A>G on transcript NM_006009.4 (MANE Select); coding-DNA position 848, A replaced by G.
Protein change: p.His283Arg; replaces histidine 283 with arginine.
Molecular consequence: missense variant.
Genome position (GRCh38, 1-based): chr12:49,185,518, T>C on the plus strand (A>G on the coding strand, the complement: TUBA1A is on the minus strand). VCF-style: chr12-49185518-T-C. GRCh37 (hg19) VCF-style: chr12-49579301-T-C.
Other names: c.848A>G, p.His283Arg (NM_001270399.2); c.743A>G, p.His248Arg (NM_001270400.2); short protein forms H248R, H283R.
Identifiers: ClinVar variation 1701083 (VCV001701083.2), dbSNP rs2121243281, ClinGen allele CA384639191.
Genomic context (GRCh38, chr12:49,185,518, plus strand): 5'-ACCATCTGGTTGGCTGGCTCAAAGCAAGCATTGGTGATCTCTGCTACAGAAAGCTGTTCA[T>C]GGTAGGCTTTCTCAGCAGAGATGACAGGGGCATATGTGGCCAGAGGGAAGTGGATGCGGG-3'
Protein context (NP_006000.2, residues 273-293): APVISAEKAY[His283Arg]EQLSVAEITN